The following is an entry in ClinVar:

NM_198576.4(AGRN):c.5338G>A (p.Val1780Met)

Gene: AGRN (agrin; plus strand). Cytogenetic location: 1p36.33.
Variant type: single nucleotide variant.
Coding change: c.5338G>A on transcript NM_198576.4 (MANE Select); coding-DNA position 5338, G replaced by A.
Protein change: p.Val1780Met; replaces valine 1780 with methionine.
Molecular consequence: missense variant.
Genome position (GRCh38, 1-based): chr1:1,051,337, G>A. VCF-style: chr1-1051337-G-A. GRCh37 (hg19) VCF-style: chr1-986717-G-A.
Other names: c.5350G>A, p.Val1784Met (NM_001305275.2); c.5035G>A, p.Val1679Met (NM_001364727.2); short protein forms V1784M, V1679M, V1780M.
Identifiers: ClinVar variation 942117 (VCV000942117.11), dbSNP rs375378609, ClinGen allele CA509989.
Genomic context (GRCh38, chr1:1,051,337, plus strand): 5'-AAGGAGCCGCTCTACGTAGGGGGCGCTCCCGACTTCAGCAAGCTGGCCCGTGCTGCTGCC[G>A]TGTCCTCTGGCTTCGACGGTGCCATCCAGCTGGTATGTGGGGGCGGGGCGTCCCAGCAGG-3'
Protein context (NP_940978.2, residues 1770-1790): DFSKLARAAA[Val1780Met]SSGFDGAIQL

ClinVar aggregate classification (germline): Uncertain significance. Review status: criteria provided, multiple submitters, no conflicts (2 of 4 stars). 2 submissions from 2 submitters: Uncertain significance (2). Last evaluated 2025-08-21.

Conditions:
Inborn genetic diseases. Identifiers: MedGen C0950123, MeSH D030342.
Congenital myasthenic syndrome 8. Also called: MYASTHENIC SYNDROME, CONGENITAL, DUE TO AGRIN DEFICIENCY; Myasthenic syndrome, congenital, 8, with pre- and postsynaptic defects. Identifiers: Orphanet 590, MedGen C3808739, MONDO:0014052, OMIM 615120.

Allele frequency attached by ClinVar (database versions not stated): ExAC below 0.00001; gnomAD 0.00004; TOPMed 0.00004; 1000 Genomes Project 30x 0.00016; ESP Exome Variant Server 0.00016; 1000 Genomes Project 0.00020.
gnomAD v4.1: 37 of 1,568,910 alleles (0.0024%); highest among the groups gnomAD compares: African/African-American, 0.0081%; no homozygotes.

Submissions (2):

Ambry Genetics
Classification: Uncertain significance for Inborn genetic diseases. Last evaluated: 2025-08-21. Review status: criteria provided, single submitter. Criteria: Ambry Variant Classification Scheme 2023. Collection method: clinical testing. Allele origin: germline.

Labcorp Genetics (formerly Invitae), Labcorp
Classification: Uncertain significance for Congenital myasthenic syndrome 8. Last evaluated: 2024-10-22. Review status: criteria provided, single submitter. Criteria: Invitae Variant Classification Sherloc (09022015). Collection method: clinical testing. Allele origin: germline.
Comment: This sequence change replaces valine, which is neutral and non-polar, with methionine, which is neutral and non-polar, at codon 1780 of the AGRN protein (p.Val1780Met). The frequency data for this variant in the population databases is considered unreliable, as metrics indicate poor data quality at this position in the gnomAD database. This variant has not been reported in the literature in individuals affected with AGRN-related conditions. ClinVar contains an entry for this variant (Variation ID: 942117). An algorithm developed to predict the effect of missense changes on protein structure and function (PolyPhen-2) suggests that this variant is likely to be tolerated. In summary, the available evidence is currently insufficient to determine the role of this variant in disease. Therefore, it has been classified as a Variant of Uncertain Significance.